The following is an entry in ClinVar:

ClinVar aggregate classification (germline): Uncertain significance (1 of 4 stars; one submission).

Conditions:
Epidermolysis bullosa simplex 5C, with pyloric atresia (EBS5C). Also called: PLEC-Related Epidermolysis Bullosa with Pyloric Atresia; Epidermolysis bullosa simplex with pyloric atresia; PLEC1-Related Epidermolysis Bullosa with Pyloric Atresia. Identifiers: Orphanet 158684, MedGen C2677349, MONDO:0012807, OMIM 612138.
Autosomal recessive limb-girdle muscular dystrophy type 2Q (LGMDR17). Also called: MUSCULAR DYSTROPHY, LIMB-GIRDLE, AUTOSOMAL RECESSIVE 17. Identifiers: Orphanet 254361, MedGen C3150989, MONDO:0013390, OMIM 613723.
Epidermolysis bullosa simplex, Ogna type (EBS5A). Also called: Pidermolysis bullosa simplex 5A, Ogna type; EPIDERMOLYSIS BULLOSA SIMPLEX 5A, OGNA TYPE. Identifiers: Orphanet 79401, MedGen C0432317, MONDO:0007555, OMIM 131950.
Epidermolysis bullosa simplex 5B, with muscular dystrophy (EBS5B). Also called: Epidermolysis bullosa simplex with muscular dystrophy; EPIDERMOLYSIS BULLOSA SIMPLEX AND LIMB-GIRDLE MUSCULAR DYSTROPHY. Identifiers: Orphanet 257, MedGen C2931072, MONDO:0009181, OMIM 226670.
Epidermolysis bullosa simplex with nail dystrophy (EBS5D). Identifiers: MedGen C4225309, MONDO:0014661, OMIM 616487.

Allele frequency attached by ClinVar (database versions not stated): gnomAD exomes below 0.00001.
gnomAD v4.1: 2 of 1,607,714 alleles (0.00012%); highest among the groups gnomAD compares: East Asian, 0.0045%; no homozygotes.

Submission:

Labcorp Genetics (formerly Invitae), Labcorp
Classification: Uncertain significance for Autosomal recessive limb-girdle muscular dystrophy type 2Q; Epidermolysis bullosa simplex, Ogna type; Epidermolysis bullosa simplex with nail dystrophy; Epidermolysis bullosa simplex 5C, with pyloric atresia; Epidermolysis bullosa simplex 5B, with muscular dystrophy. Last evaluated: 2026-01-14. Review status: criteria provided, single submitter. Criteria: Invitae Variant Classification Sherloc (09022015). Collection method: clinical testing. Allele origin: germline.
Comment: This sequence change replaces glutamic acid, which is acidic and polar, with glycine, which is neutral and non-polar, at codon 2533 of the PLEC protein (p.Glu2533Gly). This variant is present in population databases (no rsID available, gnomAD 0.02%). This variant has not been reported in the literature in individuals affected with PLEC-related conditions. ClinVar contains an entry for this variant (Variation ID: 2107111). Invitae Evidence Modeling of protein sequence and biophysical properties (such as structural, functional, and spatial information, amino acid conservation, physicochemical variation, residue mobility, and thermodynamic stability) indicates that this missense variant is not expected to disrupt PLEC protein function with a negative predictive value of 80%. In summary, the available evidence is currently insufficient to determine the role of this variant in disease. Therefore, it has been classified as a Variant of Uncertain Significance.

NM_201384.3(PLEC):c.7517A>G (p.Glu2506Gly)

Gene: PLEC (plectin; minus strand). Cytogenetic location: 8q24.3.
Variant type: single nucleotide variant.
Coding change: c.7517A>G on transcript NM_201384.3 (MANE Select); coding-DNA position 7517, A replaced by G.
Protein change: p.Glu2506Gly; replaces glutamic acid 2506 with glycine.
Molecular consequence: missense variant.
Genome position (GRCh38, 1-based): chr8:143,922,304, T>C on the plus strand (A>G on the coding strand, the complement: PLEC is on the minus strand). VCF-style: chr8-143922304-T-C. GRCh37 (hg19) VCF-style: chr8-144996472-T-C.
Other names: c.7598A>G, p.Glu2533Gly (NM_000445.5); c.4217A>G, p.Glu1406Gly (NM_001410941.1); c.7475A>G, p.Glu2492Gly (NM_201378.4); c.7451A>G, p.Glu2484Gly (NM_201379.3); c.7928A>G, p.Glu2643Gly (NM_201380.4); c.7421A>G, p.Glu2474Gly (NM_201381.3); c.7517A>G, p.Glu2506Gly (NM_201382.4); c.7529A>G, p.Glu2510Gly (NM_201383.3); short protein forms E1406G, E2492G, E2506G, E2510G, E2533G, E2474G, E2484G, E2643G.
Identifiers: ClinVar variation 2107111 (VCV002107111.4), dbSNP rs1554689280, ClinGen allele CA372524741.